The following is an entry in ClinVar:

NM_006096.4(NDRG1):c.1112_1114delinsTTT (p.His371Leu)

Gene: NDRG1 (N-myc downstream regulated 1; minus strand). Cytogenetic location: 8q24.22.
Variant type: Indel.
Coding change: c.1112_1114delinsTTT on transcript NM_006096.4 (MANE Select); coding-DNA positions 1112 to 1114, ACC replaced by TTT.
Protein change: p.His371Leu; replaces histidine 371 with leucine.
Molecular consequence: missense variant.
Genome position (GRCh38, 1-based): chr8:133,238,949-133,238,951, GGT replaced by AAA on the plus strand (ACC replaced by TTT on the coding strand, the reverse complement: NDRG1 is on the minus strand). VCF-style: chr8-133238949-GGT-AAA. GRCh37 (hg19) VCF-style: chr8-134251192-GGT-AAA.
Other names: c.1112_1114delACCinsTTT (NM_006096.3); c.1112_1114delinsTTT, p.His371Leu (NM_001135242.2, NM_001374845.1, NM_001374846.1); c.914_916delinsTTT, p.His305Leu (NM_001258432.2, NM_001374847.1); c.869_871delinsTTT, p.His290Leu (NM_001258433.2); c.1163_1165delinsTTT, p.His388Leu (NM_001374844.1); short protein forms H305L, H290L, H371L, H388L.
Identifiers: ClinVar variation 476845 (VCV000476845.6), dbSNP rs1554747447, ClinGen allele CA658657830.
Genomic context (GRCh38, chr8:133,238,949, plus strand): 5'-CCTCCATGGACTTGGGCCCGGCGCTGTTCCCAGCAGCACCCGAGTTGGGGGTGATGTCCA[GGT>AAA]GGGCCCCCTCGCTGGTGTGCGAGCGGCTGCGGGTGCCCTCGCTGGTGTGGGAGCGGCTTC-3'
Protein context (NP_006087.2, residues 361-381): RSRSHTSEGA[His371Leu]LDITPNSGAA

ClinVar aggregate classification (germline): Uncertain significance. Review status: criteria provided, multiple submitters, no conflicts (2 of 4 stars). 2 submissions from 2 submitters: Uncertain significance (2). Last evaluated 2024-12-12.

Conditions:
Charcot-Marie-Tooth disease type 4. Also called: Charcot-Marie-Tooth, Type 4; Charcot-Marie-Tooth disease, type IV. Identifiers: Orphanet 64749, MedGen C4082197, MONDO:0018995.

Submissions (2):

Labcorp Genetics (formerly Invitae), Labcorp
Classification: Uncertain significance for Charcot-Marie-Tooth disease type 4. Last evaluated: 2024-12-12. Review status: criteria provided, single submitter. Criteria: Invitae Variant Classification Sherloc (09022015). Collection method: clinical testing. Allele origin: germline.
Comment: This sequence change replaces histidine, which is basic and polar, with leucine, which is neutral and non-polar, at codon 371 of the NDRG1 protein (p.His371Leu). Information on the frequency of this variant in the gnomAD database is not available, as this variant may be reported differently in the database. This variant has not been reported in the literature in individuals affected with NDRG1-related conditions. ClinVar contains an entry for this variant (Variation ID: 476845). Experimental studies and prediction algorithms are not available or were not evaluated, and the functional significance of this variant is currently unknown. In summary, the available evidence is currently insufficient to determine the role of this variant in disease. Therefore, it has been classified as a Variant of Uncertain Significance.

GeneDx
Classification: Uncertain significance. Last evaluated: 2019-07-31. Review status: criteria provided, single submitter. Criteria: GeneDx Variant Classification Process June 2021. Collection method: clinical testing. Allele origin: germline. Affected: yes.
Comment: Not observed at a significant frequency in large population cohorts (Lek et al., 2016); In silico analysis, which includes protein predictors and evolutionary conservation, supports that this variant does not alter protein structure/function; Has not been previously published as pathogenic or benign to our knowledge